The following is an entry in ClinVar:

NM_000243.3(MEFV):c.1437C>A (p.Phe479Leu)

Gene: MEFV (MEFV innate immunity regulator, pyrin; minus strand). Cytogenetic location: 16p13.3.
Variant type: single nucleotide variant.
Coding change: c.1437C>A on transcript NM_000243.3 (MANE Select); coding-DNA position 1437, C replaced by A.
Protein change: p.Phe479Leu; replaces phenylalanine 479 with leucine.
Molecular consequence: missense variant.
Genome position (GRCh38, 1-based): chr16:3,247,166, G>T on the plus strand (C>A on the coding strand, the complement: MEFV is on the minus strand). VCF-style: chr16-3247166-G-T. GRCh37 (hg19) VCF-style: chr16-3297166-G-T.
Other names: c.804C>A, p.Phe268Leu (NM_001198536.2); short protein forms F268L, F479L.
Identifiers: ClinVar variation 2414425 (VCV002414425.7), dbSNP rs104895083, ClinGen allele CA7860129.
Genomic context (GRCh38, chr16:3,247,166, plus strand): 5'-GTCATATGCCTTCCTGATCTGCCCAACCATCTGGCCCACGTCCTCCAGTGAGGCCACAAA[G>T]AAATGCTCTTGCTGCTCCAGGAAGTAGTACACCTGCTCCAGCTTCCTCTGCACCCGCTGC-3'
Protein context (NP_000234.1, residues 469-489): VYYFLEQQEH[Phe479Leu]FVASLEDVGQ

ClinVar aggregate classification (germline): Conflicting classifications of pathogenicity. Review status: criteria provided, conflicting classifications (1 of 4 stars). 2 submissions from 2 submitters: Pathogenic (1); Uncertain significance (1). Last evaluated 2025-09-29.

Conditions:
Familial Mediterranean fever (FMF). Also called: POLYSEROSITIS, FAMILIAL PAROXYSMAL; POLYSEROSITIS, RECURRENT; Periodic peritonitis; Benign paroxysmal peritonitis. Identifiers: Orphanet 342, MedGen C0031069, MONDO:0018088, OMIM 249100. Disease mechanism: gain of function.

Submissions (2):

Natera, Inc.
Classification: Pathogenic for Familial Mediterranean fever. Last evaluated: 2025-09-29. Review status: criteria provided, single submitter. Criteria: Natera Variant Classification Schema (03/2026). Collection method: clinical testing. Allele origin: germline.
Comment: The c.1437C>A variant in MEFV is a missense variant predicted to cause substitution of phenylalanine to leucine at amino acid 479. This variant is rare in the general population with a frequency below the threshold expected for the associated phenotype(s). This variant has been observed in one or more individuals affected with the associated recessive disease, as either homozygous or compound heterozygous with a second variant (PMID: 31989427, 18061974, 15018633, 17566872, 10364520, 20549290, 21413889, 18177465). This variant has been found together with another disease-causing variant in the same copy of the gene (PMID: 31692716). Another variant at this same site results in an alteration predicted to cause a similar molecular effect has been observed in individual(s) with the associated phenotype. Multiple computational prediction algorithms suggest this variant is unlikely to affect gene or protein function. Given the available evidence, this variant is classified as Pathogenic.

Labcorp Genetics (formerly Invitae), Labcorp
Classification: Uncertain significance for Familial Mediterranean fever. Last evaluated: 2022-07-03. Review status: criteria provided, single submitter. Criteria: Invitae Variant Classification Sherloc (09022015). Collection method: clinical testing. Allele origin: germline.
Comment: In summary, the available evidence is currently insufficient to determine the role of this variant in disease. Therefore, it has been classified as a Variant of Uncertain Significance. Algorithms developed to predict the effect of missense changes on protein structure and function output the following: SIFT: "Tolerated"; PolyPhen-2: "Benign"; Align-GVGD: "Class C0". The leucine amino acid residue is found in multiple mammalian species, which suggests that this missense change does not adversely affect protein function. This missense change has been observed in individual(s) with MEFV-related disorders with variable phenotypes and a wide range of severity (including asymptomatic individuals) (PMID: 9668175, 11175300, 22975760, 23907647, 25393764, 25708585, 26351556, 29178647, 29363386). This variant is present in population databases (rs104895083, gnomAD 0.003%). This sequence change replaces phenylalanine, which is neutral and non-polar, with leucine, which is neutral and non-polar, at codon 479 of the MEFV protein (p.Phe479Leu).

Literature cited by the submitters: PubMed 31989427 (cited by Natera, Inc.); PubMed 18061974 (cited by Natera, Inc.); PubMed 15018633 (cited by Natera, Inc.); PubMed 17566872 (cited by Natera, Inc.); PubMed 10364520 (cited by Natera, Inc.); PubMed 20549290 (cited by Natera, Inc.); PubMed 21413889 (cited by Natera, Inc.); PubMed 18177465 (cited by Natera, Inc.); PubMed 31692716 (cited by Natera, Inc.); PubMed 9668175 (cited by Labcorp Genetics (formerly Invitae), Labcorp); PubMed 11175300 (cited by Labcorp Genetics (formerly Invitae), Labcorp); PubMed 22975760 (cited by Labcorp Genetics (formerly Invitae), Labcorp); PubMed 23907647 (cited by Labcorp Genetics (formerly Invitae), Labcorp); PubMed 25393764 (cited by Labcorp Genetics (formerly Invitae), Labcorp); PubMed 25708585 (cited by Labcorp Genetics (formerly Invitae), Labcorp); PubMed 26351556 (cited by Labcorp Genetics (formerly Invitae), Labcorp); PubMed 29178647 (cited by Labcorp Genetics (formerly Invitae), Labcorp); PubMed 29363386 (cited by Labcorp Genetics (formerly Invitae), Labcorp).